The following is an entry in ClinVar:

ClinVar aggregate classification (germline): Uncertain significance (1 of 4 stars; one submission).

Conditions:
Inborn genetic diseases. Identifiers: MedGen C0950123, MeSH D030342.

gnomAD v4.1: 3 of 1,206,536 alleles (0.00025%); highest among the groups gnomAD compares: South Asian, 0.0053%; no homozygotes.

Submission:

Ambry Genetics
Classification: Uncertain significance for Inborn genetic diseases. Last evaluated: 2026-05-05. Review status: criteria provided, single submitter. Criteria: Ambry Variant Classification Scheme 2023. Collection method: clinical testing. Allele origin: germline.
Comment: The c.103G>A (p.A35T) alteration is located in exon 3 (coding exon 2) of the CUL4B gene. This alteration results from a G to A substitution at nucleotide position 103, causing the alanine (A) at amino acid position 35 to be replaced by a threonine (T). Based on data from gnomAD, the A allele has an overall frequency of 0.001% (1/175580) total alleles studied. The highest observed frequency was 0.005% (1/18355) of South Asian alleles. Based on insufficient or conflicting evidence, the clinical significance of this alteration remains unclear.

NM_001079872.2(CUL4B):c.49G>A (p.Ala17Thr)

Genes: CUL4B (cullin 4B; minus strand), LOC113845788 (Sharpr-MPRA regulatory region 11856; plus strand). Cytogenetic location: Xq24.
Variant type: single nucleotide variant.
Coding change: c.49G>A on transcript NM_001079872.2 (MANE Select); coding-DNA position 49, G replaced by A.
Protein change: p.Ala17Thr; replaces alanine 17 with threonine.
Molecular consequence: missense variant.
Genome position (GRCh38, 1-based): chrX:120,560,590, C>T on the plus strand (G>A on the coding strand, the complement: CUL4B is on the minus strand). VCF-style: chrX-120560590-C-T. GRCh37 (hg19) VCF-style: chrX-119694445-C-T.
Other names: c.64G>A, p.Ala22Thr (NM_001330624.2); c.103G>A, p.Ala35Thr (NM_003588.4); short protein forms A17T, A22T, A35T.
Identifiers: ClinVar variation 4869547 (VCV004869547.1).
Genomic context (GRCh38, chrX:120,560,590, plus strand): 5'-TGGCAGAGGTGGGCGGAGTGGTGCTGGTATTACCATCAGTGGCAGATCTGACCTCCTGAG[C>T]AGCAGCAGCAGCTGAGGGACTGGGGGAAGAAAAACCTGTTGGAAACATGAAAATAGCGGG-3'
Protein context (NP_001073341.1, residues 7-27): SSPSPSAAAA[Ala17Thr]QEVRSATDGN